The following is an entry in ClinVar:

NM_006493.4(CLN5):c.247A>G (p.Ile83Val)

Gene: CLN5 (CLN5 lysosomal BMP synthase; plus strand). Cytogenetic location: 13q22.3.
Variant type: single nucleotide variant.
Coding change: c.247A>G on transcript NM_006493.4 (MANE Select); coding-DNA position 247, A replaced by G.
Protein change: p.Ile83Val; replaces isoleucine 83 with valine.
Molecular consequence: missense variant.
Genome position (GRCh38, 1-based): chr13:76,995,136, A>G. VCF-style: chr13-76995136-A-G. GRCh37 (hg19) VCF-style: chr13-77569271-A-G.
Other names: c.247A>G, p.Ile83Val (NM_001366624.2); short protein forms I83V.
Identifiers: ClinVar variation 1025949 (VCV001025949.6), dbSNP rs750283603, ClinGen allele CA7007166.
Genomic context (GRCh38, chr13:76,995,136, plus strand): 5'-CGTCCAAAACCTGATCCTTATTGTCAAGCTAAGTATACTTTCTGTCCAACTGGCTCACCT[A>G]TCCCAGTTATGGAGGGTGATGATGACATTGAAGTTTTTCGATTACAAGCCCCAGTATGGG-3'
Protein context (NP_006484.2, residues 73-93): KYTFCPTGSP[Ile83Val]PVMEGDDDIE

ClinVar aggregate classification (germline): Uncertain significance. Review status: criteria provided, single submitter (1 of 4 stars). 2 submissions from 2 submitters: Uncertain significance (1). 1 of the submissions does not count toward it. Last evaluated 2021-09-01.

Conditions:
Neuronal ceroid lipofuscinosis. Also called: Neuronal Ceroid Lipofuscinoses. Identifiers: Orphanet 216, Orphanet 79263, MedGen C0027877, MONDO:0016295. Disease mechanism: loss of function.

Allele frequency attached by ClinVar (database versions not stated): gnomAD exomes below 0.00001; ExAC 0.00001; gnomAD 0.00001.
gnomAD v4.1: 9 of 1,613,924 alleles (0.00056%); highest among the groups gnomAD compares: Non-Finnish European, 0.00042%; no homozygotes.

Submissions (2):

Labcorp Genetics (formerly Invitae), Labcorp
Classification: Uncertain significance for Neuronal ceroid lipofuscinosis. Last evaluated: 2021-09-01. Review status: criteria provided, single submitter. Criteria: Invitae Variant Classification Sherloc (09022015). Collection method: clinical testing. Allele origin: germline.
Comment: This sequence change replaces isoleucine with valine at codon 132 of the CLN5 protein (p.Ile132Val). The isoleucine residue is highly conserved and there is a small physicochemical difference between isoleucine and valine. This variant is present in population databases (rs750283603, ExAC 0.001%). This variant has not been reported in the literature in individuals affected with CLN5-related conditions. Algorithms developed to predict the effect of missense changes on protein structure and function output the following: SIFT: "Tolerated"; PolyPhen-2: "Benign"; Align-GVGD: "Class C0". The valine amino acid residue is found in multiple mammalian species, which suggests that this missense change does not adversely affect protein function. In summary, the available evidence is currently insufficient to determine the role of this variant in disease. Therefore, it has been classified as a Variant of Uncertain Significance.

Natera, Inc.
Classification: Uncertain significance for Neuronal ceroid lipofuscinosis. Last evaluated: 2021-02-27. Review status: no assertion criteria provided. Collection method: clinical testing. Allele origin: germline. Not counted in ClinVar's aggregate classification.